The following is an entry in ClinVar:

ClinVar aggregate classification (germline): Uncertain significance. Review status: criteria provided, single submitter (1 of 4 stars). 2 submissions from 2 submitters: Uncertain significance (1). 1 of the submissions does not count toward it. Last evaluated 2020-04-16.

Conditions:
PCNT-related disorder. Also called: PCNT-related condition.

gnomAD v4.1: 8 of 1,597,382 alleles (0.0005%); highest among the groups gnomAD compares: African/African-American, 0.0013%; no homozygotes.

Submissions (2):

Blueprint Genetics
Classification: Uncertain significance. Last evaluated: 2020-04-16. Review status: criteria provided, single submitter. Criteria: ACMG Guidelines, 2015. Collection method: clinical testing. Allele origin: germline.

PreventionGenetics, part of Exact Sciences
Classification: Uncertain significance for PCNT-related condition. Last evaluated: 2023-11-14. Review status: no assertion criteria provided. Collection method: clinical testing. Allele origin: germline. Not counted in ClinVar's aggregate classification.
Comment: The PCNT c.751C>T variant is predicted to result in the amino acid substitution p.Arg251Cys. To our knowledge, this variant has not been reported in the literature. This variant is reported in 0.0010% of alleles in individuals of European (Non-Finnish) descent in gnomAD. At this time, the clinical significance of this variant is uncertain due to the absence of conclusive functional and genetic evidence.

NM_006031.6(PCNT):c.751C>T (p.Arg251Cys)

Gene: PCNT (pericentrin; plus strand). Cytogenetic location: 21q22.3.
Variant type: single nucleotide variant.
Coding change: c.751C>T on transcript NM_006031.6 (MANE Select); coding-DNA position 751, C replaced by T.
Protein change: p.Arg251Cys; replaces arginine 251 with cysteine.
Molecular consequence: missense variant.
Genome position (GRCh38, 1-based): chr21:46,346,773, C>T. VCF-style: chr21-46346773-C-T. GRCh37 (hg19) VCF-style: chr21-47766687-C-T.
Other names: c.397C>T, p.Arg133Cys (NM_001315529.2); short protein forms R133C, R251C.
Identifiers: ClinVar variation 3350633 (VCV003350633.2).